The following is an entry in ClinVar:

NM_001267550.2(TTN):c.2481A>G (p.Glu827=)

Gene: TTN (titin; minus strand). Cytogenetic location: 2q31.2.
Variant type: single nucleotide variant.
Coding change: c.2481A>G on transcript NM_001267550.2 (MANE Select); coding-DNA position 2481, A replaced by G.
Protein change: p.Glu827=; no amino-acid change (glutamic acid 827 retained).
Molecular consequence: synonymous variant.
Genome position (GRCh38, 1-based): chr2:178,785,632, T>C on the plus strand (A>G on the coding strand, the complement: TTN is on the minus strand). VCF-style: chr2-178785632-T-C. GRCh37 (hg19) VCF-style: chr2-179650359-T-C.
Other names: c.2481A>G, p.Glu827= (NM_001256850.1, NM_133378.4, NM_133379.5); c.2343A>G, p.Glu781= (NM_003319.4, NM_133432.3, NM_133437.4).
Identifiers: ClinVar variation 1789895 (VCV001789895.6), dbSNP rs771462473, ClinGen allele CA60982716.

ClinVar aggregate classification (germline): Likely benign. Review status: criteria provided, multiple submitters, no conflicts (2 of 4 stars). 3 submissions from 3 submitters: Likely benign (3). Last evaluated 2025-12-19.

Conditions:
TTN-related disorder. Also called: TTN-related disorders; TTN-related condition; TTN-related disease.
Cardiovascular phenotype. Identifiers: MedGen CN230736.
Autosomal recessive limb-girdle muscular dystrophy type 2J (LGMDR10). Also called: MUSCULAR DYSTROPHY, LIMB-GIRDLE, AUTOSOMAL RECESSIVE 10; Limb-girdle muscular dystrophy, type 2J. Identifiers: Orphanet 140922, MedGen C1837342, MONDO:0012127, OMIM 608807.
Dilated cardiomyopathy 1G (CMD1G). Identifiers: Orphanet 154, MedGen C1858763, MONDO:0011400, OMIM 604145.

Allele frequency attached by ClinVar (database versions not stated): gnomAD 0.00001; gnomAD exomes 0.00001; TOPMed 0.00003.
gnomAD v4.1: 18 of 1,614,008 alleles (0.0011%); highest among the groups gnomAD compares: Admixed American, 0.0033%; no homozygotes.

Submissions (3):

PreventionGenetics, part of Exact Sciences
Classification: Likely benign for TTN-related condition. Last evaluated: 2025-12-19. Review status: criteria provided, single submitter. Criteria: ACMG Guidelines, 2015. Collection method: clinical testing. Allele origin: germline.
Comment: This variant is classified as likely benign based on ACMG/AMP sequence variant interpretation guidelines (Richards et al. 2015 PMID: 25741868, with internal and published modifications).

Labcorp Genetics (formerly Invitae), Labcorp
Classification: Likely benign for Dilated cardiomyopathy 1G; Autosomal recessive limb-girdle muscular dystrophy type 2J. Last evaluated: 2025-12-14. Review status: criteria provided, single submitter. Criteria: Invitae Variant Classification Sherloc (09022015). Collection method: clinical testing. Allele origin: germline.

Ambry Genetics
Classification: Likely benign for Cardiovascular phenotype. Last evaluated: 2021-04-15. Review status: criteria provided, single submitter. Criteria: Ambry Variant Classification Scheme 2023. Collection method: clinical testing. Allele origin: germline.